The following is an entry in ClinVar:

ClinVar aggregate classification (germline): Conflicting classifications of pathogenicity. Review status: criteria provided, conflicting classifications (1 of 4 stars). 3 submissions from 3 submitters: Uncertain significance (2); Likely benign (1). Last evaluated 2022-09-07.

Conditions:
Inborn genetic diseases. Identifiers: MedGen C0950123, MeSH D030342.

Allele frequency attached by ClinVar (database versions not stated): gnomAD exomes 0.00001 and 0.00005; ESP Exome Variant Server 0.00008; ExAC 0.00013.
gnomAD v4.1: 35 of 1,476,466 alleles (0.0024%); highest among the groups gnomAD compares: African/African-American, 0.051%; no homozygotes.

Submissions (3):

Labcorp Genetics (formerly Invitae), Labcorp
Classification: Uncertain significance. Last evaluated: 2022-09-07. Review status: criteria provided, single submitter. Criteria: Invitae Variant Classification Sherloc (09022015). Collection method: clinical testing. Allele origin: germline.
Comment: This sequence change replaces leucine, which is neutral and non-polar, with phenylalanine, which is neutral and non-polar, at codon 274 of the IFT81 protein (p.Leu274Phe). This variant is present in population databases (rs373713735, gnomAD 0.06%). This variant has not been reported in the literature in individuals affected with IFT81-related conditions. ClinVar contains an entry for this variant (Variation ID: 1481536). Algorithms developed to predict the effect of missense changes on protein structure and function (SIFT, PolyPhen-2, Align-GVGD) all suggest that this variant is likely to be tolerated. In summary, the available evidence is currently insufficient to determine the role of this variant in disease. Therefore, it has been classified as a Variant of Uncertain Significance.

Ambry Genetics
Classification: Uncertain significance for Inborn genetic diseases. Last evaluated: 2021-10-12. Review status: criteria provided, single submitter. Criteria: Ambry Variant Classification Scheme 2023. Collection method: clinical testing. Allele origin: germline.

Blueprint Genetics
Classification: Likely benign. Last evaluated: 2021-10-06. Review status: criteria provided, single submitter. Criteria: ACMG Guidelines, 2015. Collection method: clinical testing. Allele origin: germline.

NM_014055.4(IFT81):c.822A>C (p.Leu274Phe)

Gene: IFT81 (intraflagellar transport 81; plus strand). Cytogenetic location: 12q24.11.
Variant type: single nucleotide variant.
Coding change: c.822A>C on transcript NM_014055.4 (MANE Select); coding-DNA position 822, A replaced by C.
Protein change: p.Leu274Phe; replaces leucine 274 with phenylalanine.
Molecular consequence: missense variant. On other transcripts: non-coding transcript variant (3), intron variant (2).
Genome position (GRCh38, 1-based): chr12:110,143,422, A>C. VCF-style: chr12-110143422-A-C. GRCh37 (hg19) VCF-style: chr12-110581227-A-C.
Other names: c.822A>C, p.Leu274Phe (NM_001143779.2, NM_001347946.2, NM_031473.4); c.16-3531A>C (NM_001347948.2, NM_001347947.2); c.822A>C (NM_014055.3); short protein forms L274F.
Identifiers: ClinVar variation 1481536 (VCV001481536.5), dbSNP rs373713735, ClinGen allele CA6783196.